The following is an entry in ClinVar:

ClinVar aggregate classification (germline): Uncertain significance (1 of 4 stars; one submission).

Conditions:
Oligodontia-cancer predisposition syndrome. Also called: TOOTH AGENESIS-COLORECTAL CANCER SYNDROME. Identifiers: Orphanet 300576, MedGen C1837750, MONDO:0012075, OMIM 608615. Disease mechanism: loss of function.

Submission:

Labcorp Genetics (formerly Invitae), Labcorp
Classification: Uncertain significance for Oligodontia-cancer predisposition syndrome. Last evaluated: 2021-01-21. Review status: criteria provided, single submitter. Criteria: Invitae Variant Classification Sherloc (09022015). Collection method: clinical testing. Allele origin: germline.
Comment: Experimental studies and prediction algorithms are not available or were not evaluated, and the functional significance of this variant is currently unknown. This variant is a gross deletion of the genomic region encompassing exon(s) 11 of the AXIN2 gene. The 5' boundary is likely confined to intron 10. The 3' end of this event is unknown as it extends through the termination codon beyond the assayed region for this gene and may encompass additional genes. While this deletion is not anticipated to lead to nonsense mediated decay, it is expected to alter mRNA translation or result in a truncated protein product. In summary, the available evidence is currently insufficient to determine the role of this variant in disease. Therefore, it has been classified as a Variant of Uncertain Significance. This variant has not been reported in the literature in individuals with AXIN2-related conditions.

NC_000017.10:g.(?_63526094)_(63526230_?)del

Gene: AXIN2 (axin 2; minus strand). Cytogenetic location: 17q24.1.
Variant type: Deletion.
Identifiers: ClinVar variation 1411266 (VCV001411266.6).